The following is an entry in ClinVar:

NM_000642.3(AGL):c.3465G>A (p.Trp1155Ter)

Gene: AGL (amylo-alpha-1,6-glucosidase and 4-alpha-glucanotransferase; plus strand). Cytogenetic location: 1p21.2.
Variant type: single nucleotide variant.
Coding change: c.3465G>A on transcript NM_000642.3 (MANE Select); coding-DNA position 3465, G replaced by A.
Protein change: p.Trp1155Ter; replaces tryptophan 1155 with a stop codon.
Molecular consequence: nonsense.
Genome position (GRCh38, 1-based): chr1:99,900,738, G>A. VCF-style: chr1-99900738-G-A. GRCh37 (hg19) VCF-style: chr1-100366294-G-A.
Other names: c.3465G>A, p.Trp1155Ter (NM_000028.3, NM_000643.3, NM_000644.3 and 1 more transcripts); c.3417G>A, p.Trp1139Ter (NM_000646.3); c.3444G>A, p.Trp1148Ter (NM_001425326.1); c.3264G>A, p.Trp1088Ter (NM_001425327.1); c.3261G>A, p.Trp1087Ter (NM_001425328.1); c.3126G>A, p.Trp1042Ter (NM_001425329.1); c.3087G>A, p.Trp1029Ter (NM_001425332.1); short protein forms W1155*, W1139*, W1029*, W1042*, W1087*, W1088*, W1148*.
Identifiers: ClinVar variation 944846 (VCV000944846.10), dbSNP rs762547610, ClinGen allele CA341331502.

ClinVar aggregate classification (germline): Pathogenic (1 of 4 stars; one submission).

Conditions:
Glycogen storage disease type III (GSD3). Also called: Cori disease; FORBES DISEASE. Identifiers: Orphanet 366, MedGen C0017922, MONDO:0009291, OMIM 232400.

gnomAD v4.1: 1 of 1,614,148 alleles (0.000062%); highest among the groups gnomAD compares: South Asian, 0.0011%; no homozygotes.

Submission:

Labcorp Genetics (formerly Invitae), Labcorp
Classification: Pathogenic for Glycogen storage disease type III. Last evaluated: 2022-08-01. Review status: criteria provided, single submitter. Criteria: Invitae Variant Classification Sherloc (09022015). Collection method: clinical testing. Allele origin: germline.
Comment: This sequence change creates a premature translational stop signal (p.Trp1155*) in the AGL gene. It is expected to result in an absent or disrupted protein product. Loss-of-function variants in AGL are known to be pathogenic (PMID: 19299494). This variant is not present in population databases (gnomAD no frequency). This variant has not been reported in the literature in individuals affected with AGL-related conditions. ClinVar contains an entry for this variant (Variation ID: 944846). For these reasons, this variant has been classified as Pathogenic.

Literature cited by the submitters: PubMed 19299494.